The following is an entry in ClinVar:

ClinVar aggregate classification (germline): Likely benign. Review status: criteria provided, single submitter (1 of 4 stars). 2 submissions from 2 submitters: Likely benign (1). 1 of the submissions does not count toward it. Last evaluated 2018-02-08.

Conditions:
AARS2-related disorder. Also called: AARS2-related disorders; AARS2-related condition. Identifiers: MedGen CN381518, MONDO:1060240.

Allele frequency attached by ClinVar (database versions not stated): gnomAD exomes 0.00001; TOPMed 0.00002.
gnomAD v4.1: 17 of 1,613,310 alleles (0.0011%); highest among the groups gnomAD compares: East Asian, 0.038%; no homozygotes.

Submissions (2):

GeneDx
Classification: Likely benign. Last evaluated: 2018-02-08. Review status: criteria provided, single submitter. Criteria: GeneDx Variant Classification (06012015). Collection method: clinical testing. Allele origin: germline. Affected: yes.
Comment: This variant is considered likely benign or benign based on one or more of the following criteria: it is a conservative change, it occurs at a poorly conserved position in the protein, it is predicted to be benign by multiple in silico algorithms, and/or has population frequency not consistent with disease.

PreventionGenetics, part of Exact Sciences
Classification: Likely benign for AARS2-related condition. Last evaluated: 2019-06-18. Review status: no assertion criteria provided. Collection method: clinical testing. Allele origin: germline. Not counted in ClinVar's aggregate classification.
Comment: This variant is classified as likely benign based on ACMG/AMP sequence variant interpretation guidelines (Richards et al. 2015 PMID: 25741868, with internal and published modifications).

NM_020745.4(AARS2):c.234C>A (p.Gly78=)

Gene: AARS2 (alanyl-tRNA synthetase 2, mitochondrial; minus strand). Cytogenetic location: 6p21.1.
Variant type: single nucleotide variant.
Coding change: c.234C>A on transcript NM_020745.4 (MANE Select); coding-DNA position 234, C replaced by A.
Protein change: p.Gly78=; no amino-acid change (glycine 78 retained).
Molecular consequence: synonymous variant.
Genome position (GRCh38, 1-based): chr6:44,313,090, G>T on the plus strand (C>A on the coding strand, the complement: AARS2 is on the minus strand). VCF-style: chr6-44313090-G-T. GRCh37 (hg19) VCF-style: chr6-44280827-G-T.
Other names: c.234C>A (NM_020745.3).
Identifiers: ClinVar variation 516805 (VCV000516805.3), dbSNP rs752238227, ClinGen allele CA3834720.